The following is an entry in ClinVar:

NM_001080508.3(TBX18):c.658_659delinsTT (p.Pro220Phe)

Gene: TBX18 (T-box transcription factor 18; minus strand). Cytogenetic location: 6q14.3.
Variant type: Indel.
Coding change: c.658_659delinsTT on transcript NM_001080508.3 (MANE Select); coding-DNA positions 658 to 659, CC replaced by TT.
Protein change: p.Pro220Phe; replaces proline 220 with phenylalanine.
Molecular consequence: missense variant.
Genome position (GRCh38, 1-based): chr6:84,756,810-84,756,811, GG replaced by AA on the plus strand (CC replaced by TT on the coding strand, the reverse complement: TBX18 is on the minus strand). VCF-style: chr6-84756810-GG-AA. GRCh37 (hg19) VCF-style: chr6-85466528-GG-AA.
Other names: short protein forms P220F.
Identifiers: ClinVar variation 4761272 (VCV004761272.1).

ClinVar aggregate classification (germline): Uncertain significance (1 of 4 stars; one submission).

Submission:

Labcorp Genetics (formerly Invitae), Labcorp
Classification: Uncertain significance. Last evaluated: 2026-01-30. Review status: criteria provided, single submitter. Criteria: Invitae Variant Classification Sherloc (09022015). Collection method: clinical testing. Allele origin: germline.
Comment: This variant, c.658_659delinsTT, is a complex sequence change that results in the deletion of 1 and insertion of 1 amino acid(s) in the TBX18 protein (p.Pro220Phe). Information on the frequency of this variant in the gnomAD database is not available, as this variant may be reported differently in the database. This variant has not been reported in the literature in individuals affected with TBX18-related conditions. An algorithm developed to predict the effect of missense changes on protein structure and function (PolyPhen-2) suggests that this variant is likely to be disruptive. In summary, the available evidence is currently insufficient to determine the role of this variant in disease. Therefore, it has been classified as a Variant of Uncertain Significance.